The following is an entry in ClinVar:

ClinVar aggregate classification (germline): Uncertain significance (1 of 4 stars; one submission).

Conditions:
Autosomal recessive limb-girdle muscular dystrophy type 2C (LGMDR5). Also called: MUSCULAR DYSTROPHY, LIMB-GIRDLE, AUTOSOMAL RECESSIVE 5; MUSCULAR DYSTROPHY, DUCHENNE-LIKE. Identifiers: Orphanet 353, MedGen C0410173, MONDO:0009677, OMIM 253700. Disease mechanism: Affects gamma-sarcoglycan and also disrupts the integrity of the entire sarcoglycan complex..

Submission:

Kariminejad - Najmabadi Pathology & Genetics Center
Classification: Uncertain significance for Autosomal recessive limb-girdle muscular dystrophy type 2C. Last evaluated: 2018-06-24. Review status: criteria provided, single submitter. Criteria: ACMG Guidelines, 2015. Collection method: clinical testing. Allele origin: germline. Inheritance: Autosomal recessive inheritance. Affected: yes.
Comment: PM2 PP3

NM_000231.3(SGCG):c.637G>C (p.Ala213Pro)

Gene: SGCG (sarcoglycan gamma; plus strand). Cytogenetic location: 13q12.12.
Variant type: single nucleotide variant.
Coding change: c.637G>C on transcript NM_000231.3 (MANE Select); coding-DNA position 637, G replaced by C.
Protein change: p.Ala213Pro; replaces alanine 213 with proline.
Molecular consequence: missense variant.
Genome position (GRCh38, 1-based): chr13:23,320,695, G>C. VCF-style: chr13-23320695-G-C. GRCh37 (hg19) VCF-style: chr13-23894834-G-C.
Other names: c.691G>C, p.Ala231Pro (NM_001378244.1); c.637G>C, p.Ala213Pro (NM_001378245.1, NM_001378246.1); short protein forms A213P, A231P.
Identifiers: ClinVar variation 3897003 (VCV003897003.1).